The following is an entry in ClinVar:

NM_001105206.3(LAMA4):c.4418G>C (p.Gly1473Ala)

Gene: LAMA4 (laminin subunit alpha 4; minus strand). Cytogenetic location: 6q21.
Variant type: single nucleotide variant.
Coding change: c.4418G>C on transcript NM_001105206.3 (MANE Select); coding-DNA position 4418, G replaced by C.
Protein change: p.Gly1473Ala; replaces glycine 1473 with alanine.
Molecular consequence: missense variant.
Genome position (GRCh38, 1-based): chr6:112,122,071, C>G on the plus strand (G>C on the coding strand, the complement: LAMA4 is on the minus strand). VCF-style: chr6-112122071-C-G. GRCh37 (hg19) VCF-style: chr6-112443274-C-G.
Other names: c.4397G>C, p.Gly1466Ala (NM_001105207.3, NM_002290.5); short protein forms G1466A, G1473A.
Identifiers: ClinVar variation 2070914 (VCV002070914.4), dbSNP rs2546980288, ClinGen allele CA365370946.
Genomic context (GRCh38, chr6:112,122,071, plus strand): 5'-TACTTGGCACCAAAATCTCCTTTTAAGTGTTCAAACTCTTGGCGGCTGTTGGCTGTTCCT[C>G]CATATTGATAGGCGTGCTCTATTGCTCTAGGGCTGTTGGAAAGGTGGCAATGAGAGTTTC-3'
Protein context (NP_001098676.2, residues 1463-1483): PRAIEHAYQY[Gly1473Ala]GTANSRQEFE

ClinVar aggregate classification (germline): Uncertain significance (1 of 4 stars; one submission).

Conditions:
Dilated cardiomyopathy 1JJ (CMD1JJ). Identifiers: Orphanet 154, MedGen C3808935, MONDO:0014095, OMIM 615235.

Allele frequency attached by ClinVar (database versions not stated): gnomAD exomes below 0.00001.
gnomAD v4.1: 1 of 1,614,016 alleles (0.000062%); highest among the groups gnomAD compares: Non-Finnish European, 0.000085%; no homozygotes.

Submission:

Labcorp Genetics (formerly Invitae), Labcorp
Classification: Uncertain significance for Dilated cardiomyopathy 1JJ. Last evaluated: 2023-11-05. Review status: criteria provided, single submitter. Criteria: Invitae Variant Classification Sherloc (09022015). Collection method: clinical testing. Allele origin: germline.
Comment: This sequence change replaces glycine, which is neutral and non-polar, with alanine, which is neutral and non-polar, at codon 1466 of the LAMA4 protein (p.Gly1466Ala). This variant is not present in population databases (gnomAD no frequency). This variant has not been reported in the literature in individuals affected with LAMA4-related conditions. ClinVar contains an entry for this variant (Variation ID: 2070914). An algorithm developed to predict the effect of missense changes on protein structure and function (PolyPhen-2) suggests that this variant is likely to be disruptive. In summary, the available evidence is currently insufficient to determine the role of this variant in disease. Therefore, it has been classified as a Variant of Uncertain Significance.